The following is an entry in ClinVar:

NM_005327.7(HADH):c.579A>G (p.Thr193=)

Gene: HADH (hydroxyacyl-CoA dehydrogenase; plus strand). Cytogenetic location: 4q25.
Variant type: single nucleotide variant.
Coding change: c.579A>G on transcript NM_005327.7 (MANE Select); coding-DNA position 579, A replaced by G.
Protein change: p.Thr193=; no amino-acid change (threonine 193 retained).
Molecular consequence: synonymous variant.
Genome position (GRCh38, 1-based): chr4:108,023,506, A>G. VCF-style: chr4-108023506-A-G. GRCh37 (hg19) VCF-style: chr4-108944662-A-G.
Other names: c.579A>G, p.Thr193= (NM_001184705.4); c.591A>G, p.Thr197= (NM_001331027.2).
Identifiers: ClinVar variation 211128 (VCV000211128.10), dbSNP rs762771153, ClinGen allele CA205807.

ClinVar aggregate classification (germline): Conflicting classifications of pathogenicity. Review status: criteria provided, conflicting classifications (1 of 4 stars). 3 submissions from 3 submitters: Uncertain significance (1); Benign (1); Likely benign (1). Last evaluated 2024-10-12.

Conditions:
Hyperinsulinemic hypoglycemia. Also called: Hyperinsulinemia hypoglycemia; Hyperinsulinemic hypoglycemia (disease). Identifiers: Orphanet 443095, MedGen C1864903, MONDO:0005803, HP:0000825.
Deficiency of 3-hydroxyacyl-CoA dehydrogenase. Also called: 3-hydroxyacyl-CoA dehydrogenase deficiency; HADH DEFICIENCY. Identifiers: Orphanet 309127, Orphanet 71212, MedGen C1291230, MONDO:0017715, OMIM 231530.

Allele frequency attached by ClinVar (database versions not stated): ExAC 0.00001; gnomAD 0.00001; gnomAD exomes 0.00001.
gnomAD v4.1: 14 of 1,612,408 alleles (0.00087%); highest among the groups gnomAD compares: Admixed American, 0.005%; no homozygotes.

Submissions (3):

Labcorp Genetics (formerly Invitae), Labcorp
Classification: Likely benign for Deficiency of 3-hydroxyacyl-CoA dehydrogenase. Last evaluated: 2024-10-12. Review status: criteria provided, single submitter. Criteria: Invitae Variant Classification Sherloc (09022015). Collection method: clinical testing. Allele origin: germline.

Genetic Services Laboratory, University of Chicago
Classification: Uncertain significance. Last evaluated: 2015-03-23. Review status: criteria provided, single submitter. Criteria: ACMG Guidelines, 2015. Collection method: clinical testing. Allele origin: germline.

Clinical Genomics, Uppaluri K&H Personalized Medicine Clinic
Classification: Benign for Hyperinsulinemic hypoglycemia. Review status: criteria provided, single submitter. Criteria: K & H Uppaluri Personalized Medicine Clinic Variant Classification & Assertion Criteria_Updated V.1. Collection method: research. Allele origin: unknown. Inheritance: Autosomal recessive inheritance.
Comment: Potent mutations in HADH gene are associated with congenital hyperinsulinism, which leads to recurrent hypoglycemia. The condition is exacerbated by stress, fasting or excessive dietary protein. May respond well to diazoxide. However, the role of this particular variant rs762771153 in congenital hyperinsulinism is yet to be ascertained.

Literature cited by the submitters: PubMed 34547194 (cited by Clinical Genomics, Uppaluri K&H Personalized Medicine Clinic); PubMed 34055426 (cited by Clinical Genomics, Uppaluri K&H Personalized Medicine Clinic); PubMed 29280746 (cited by Clinical Genomics, Uppaluri K&H Personalized Medicine Clinic).